The following is an entry in ClinVar:

NM_000081.4(LYST):c.10817T>C (p.Met3606Thr)

Gene: LYST (lysosomal trafficking regulator; minus strand). Cytogenetic location: 1q42.3.
Variant type: single nucleotide variant.
Coding change: c.10817T>C on transcript NM_000081.4 (MANE Select); coding-DNA position 10817, T replaced by C.
Protein change: p.Met3606Thr; replaces methionine 3606 with threonine.
Molecular consequence: missense variant.
Genome position (GRCh38, 1-based): chr1:235,677,603, A>G on the plus strand (T>C on the coding strand, the complement: LYST is on the minus strand). VCF-style: chr1-235677603-A-G. GRCh37 (hg19) VCF-style: chr1-235840903-A-G.
Other names: c.10817T>C, p.Met3606Thr (NM_001301365.1); short protein forms M3606T.
Identifiers: ClinVar variation 525167 (VCV000525167.5), dbSNP rs1008955800, ClinGen allele CA39573432.

ClinVar aggregate classification (germline): Uncertain significance (1 of 4 stars; one submission).

Conditions:
Chédiak-Higashi syndrome (CHS). Also called: Chediak-Higashi Syndrome. Identifiers: Orphanet 167, MedGen C0007965, MONDO:0008963, OMIM 214500.

Allele frequency attached by ClinVar (database versions not stated): gnomAD 0.00002; TOPMed 0.00003; gnomAD exomes 0.00005.
gnomAD v4.1: 72 of 1,612,642 alleles (0.0045%); highest among the groups gnomAD compares: Non-Finnish European, 0.0059%; no homozygotes.

Submission:

Labcorp Genetics (formerly Invitae), Labcorp
Classification: Uncertain significance for Chédiak-Higashi syndrome. Last evaluated: 2022-01-19. Review status: criteria provided, single submitter. Criteria: Invitae Variant Classification Sherloc (09022015). Collection method: clinical testing. Allele origin: germline.
Comment: This sequence change replaces methionine, which is neutral and non-polar, with threonine, which is neutral and polar, at codon 3606 of the LYST protein (p.Met3606Thr). This variant is not present in population databases (gnomAD no frequency). This variant has not been reported in the literature in individuals affected with LYST-related conditions. ClinVar contains an entry for this variant (Variation ID: 525167). Algorithms developed to predict the effect of missense changes on protein structure and function (SIFT, PolyPhen-2, Align-GVGD) all suggest that this variant is likely to be tolerated. In summary, the available evidence is currently insufficient to determine the role of this variant in disease. Therefore, it has been classified as a Variant of Uncertain Significance.